The following is an entry in ClinVar:

NM_007294.4(BRCA1):c.1652G>A (p.Ser551Asn)

Gene: BRCA1 (BRCA1 DNA repair associated; minus strand). Cytogenetic location: 17q21.31.
Variant type: single nucleotide variant.
Coding change: c.1652G>A on transcript NM_007294.4 (MANE Select); coding-DNA position 1652, G replaced by A.
Protein change: p.Ser551Asn; replaces serine 551 with asparagine.
Molecular consequence: missense variant. On other transcripts: intron variant (137).
Genome position (GRCh38, 1-based): chr17:43,093,879, C>T on the plus strand (G>A on the coding strand, the complement: BRCA1 is on the minus strand). VCF-style: chr17-43093879-C-T. GRCh37 (hg19) VCF-style: chr17-41245896-C-T.
Other names: c.1439G>A, p.Ser480Asn (NM_001407571.1, NM_001407853.1, NM_001407894.1 and 9 more transcripts); c.1652G>A, p.Ser551Asn (NM_001407581.1, NM_001407582.1, NM_001407583.1 and 30 more transcripts); c.1649G>A, p.Ser550Asn (NM_001407587.1, NM_001407590.1, NM_001407591.1 and 22 more transcripts); c.1643G>A, p.Ser548Asn (NM_001407646.1, NM_001407647.1); c.1529G>A, p.Ser510Asn (NM_001407648.1, NM_001407664.1, NM_001407665.1 and 19 more transcripts); c.1526G>A, p.Ser509Asn (NM_001407649.1, NM_001407670.1, NM_001407671.1 and 11 more transcripts); c.1574G>A, p.Ser525Asn (NM_001407653.1, NM_001407654.1, NM_001407655.1 and 4 more transcripts); c.1571G>A, p.Ser524Asn (NM_001407659.1, NM_001407660.1, NM_001407661.1 and 1 more transcripts); and 40 more; short protein forms S504N, S551N, S423N, S424N, S439N, S463N, S481N, S503N.
Identifiers: ClinVar variation 1312623 (VCV001312623.6), dbSNP rs2154431888, ClinGen allele CA10598731.
Genomic context (GRCh38, chr17:43,093,879, plus strand): 5'-ATTGGGTTAGGATTTTTCTCATTCTGAATAGAATCACCTTTTGTTTTATTCTCATGACCA[C>T]TATTAGTAATATTCATCACTTGACCATTCTGCTCCGTTTGGTTAGTTCCCTGATTTATCA-3'
Protein context (NP_009225.1, residues 541-561): QNGQVMNITN[Ser551Asn]GHENKTKGDS

ClinVar aggregate classification (germline): Conflicting classifications of pathogenicity. Review status: criteria provided, conflicting classifications (1 of 4 stars). 3 submissions from 3 submitters: Uncertain significance (2); Likely benign (1). Last evaluated 2023-12-18.

Conditions:
Hereditary cancer-predisposing syndrome. Also called: Tumor predisposition; Neoplastic Syndromes, Hereditary; Hereditary Cancer Syndrome; Hereditary neoplastic syndrome. Identifiers: Orphanet 140162, MedGen C0027672, MeSH D009386, MONDO:0015356.

Submissions (3):

Women's Health and Genetics/Laboratory Corporation of America, LabCorp
Classification: Uncertain significance. Last evaluated: 2023-12-18. Review status: criteria provided, single submitter. Criteria: LabCorp Variant Classification Summary - May 2015. Collection method: clinical testing. Allele origin: germline.
Comment: Variant summary: BRCA1 c.1652G>A (p.Ser551Asn) results in a conservative amino acid change in the encoded protein sequence. Five of five in-silico tools predict a benign effect of the variant on protein function. The variant was absent in 250840 control chromosomes. The available data on variant occurrences in the general population are insufficient to allow any conclusion about variant significance. To our knowledge, no occurrence of c.1652G>A in individuals affected with Hereditary Breast And Ovarian Cancer Syndrome and no experimental evidence demonstrating its impact on protein function have been reported. Two submitters have cited clinical-significance assessments for this variant to ClinVar after 2014. One submitter classified the variant as likely benign, and one submitter classified the variant as uncertain significance. Based on the evidence outlined above, the variant was classified as uncertain significance.

University of Washington Department of Laboratory Medicine, University of Washington
Classification: Likely benign for Hereditary cancer-predisposing syndrome. Last evaluated: 2023-03-23. Review status: criteria provided, single submitter. Criteria: Dines et al. (Genet Med. 2020). Collection method: curation. Allele origin: germline.
Comment: Missense variant in a coldspot region where missense variants are very unlikely to be pathogenic (PMID:31911673).

BRCA1 coldspot (exon 11 using historical exon numbering). Reclassification based on statistical prior probability

GeneDx
Classification: Uncertain significance. Last evaluated: 2020-04-07. Review status: criteria provided, single submitter. Criteria: GeneDx Variant Classification Process June 2021. Collection method: clinical testing. Allele origin: germline. Affected: yes.
Comment: Not observed in large population cohorts (Lek 2016); In silico analysis supports that this missense variant does not alter protein structure/function; Has not been previously published as pathogenic or benign to our knowledge; Also known as 1771G>A